The following is an entry in ClinVar:

NM_016035.5(COQ4):c.29G>C (p.Arg10Pro)

Gene: COQ4 (coenzyme Q4; plus strand). Cytogenetic location: 9q34.11.
Variant type: single nucleotide variant.
Coding change: c.29G>C on transcript NM_016035.5 (MANE Select); coding-DNA position 29, G replaced by C.
Protein change: p.Arg10Pro; replaces arginine 10 with proline.
Molecular consequence: missense variant.
Genome position (GRCh38, 1-based): chr9:128,322,887, G>C. VCF-style: chr9-128322887-G-C. GRCh37 (hg19) VCF-style: chr9-131085166-G-C.
Other names: c.29G>C, p.Arg10Pro (NM_001305942.2); short protein forms R10P.
Identifiers: ClinVar variation 1403584 (VCV001403584.6), dbSNP rs746608515, ClinGen allele CA375016979.
Genomic context (GRCh38, chr9:128,322,887, plus strand): 5'-TACCCGCCCATCCTCCGCGGACGCCCGCTGCCATGGCGACTCTGCTGCGCCCTGTCCTCC[G>C]TCGGCTCTGCGGGCTCCCGGGCCTACAGCGGCCTGCGGCAGGCAAGTGGCGCCGGGTTCT-3'
Protein context (NP_057119.3, residues 1-20): MATLLRPVL[Arg10Pro]RLCGLPGLQR

ClinVar aggregate classification (germline): Uncertain significance (1 of 4 stars; one submission).

Conditions:
Neonatal encephalomyopathy-cardiomyopathy-respiratory distress syndrome. Also called: Coenzyme Q10 deficiency, primary, 7. Identifiers: Orphanet 457185, MedGen C5568562, MONDO:0014562, OMIM 616276.

Allele frequency attached by ClinVar (database versions not stated): gnomAD exomes 0.00002.
gnomAD v4.1: 7 of 1,588,794 alleles (0.00044%); highest among the groups gnomAD compares: Admixed American, 0.012%; no homozygotes.

Submission:

Labcorp Genetics (formerly Invitae), Labcorp
Classification: Uncertain significance for Neonatal encephalomyopathy-cardiomyopathy-respiratory distress syndrome. Last evaluated: 2022-06-26. Review status: criteria provided, single submitter. Criteria: Invitae Variant Classification Sherloc (09022015). Collection method: clinical testing. Allele origin: germline.
Comment: This variant is present in population databases (no rsID available, gnomAD 0.01%). In summary, the available evidence is currently insufficient to determine the role of this variant in disease. Therefore, it has been classified as a Variant of Uncertain Significance. Algorithms developed to predict the effect of missense changes on protein structure and function (SIFT, PolyPhen-2, Align-GVGD) all suggest that this variant is likely to be tolerated. This variant has not been reported in the literature in individuals affected with COQ4-related conditions. This sequence change replaces arginine, which is basic and polar, with proline, which is neutral and non-polar, at codon 10 of the COQ4 protein (p.Arg10Pro).